The following is an entry in ClinVar:

NC_000009.11:g.(?_140513481)_(141016451_?)del

Genes: CACNA1B (calcium voltage-gated channel subunit alpha1 B; plus strand), EHMT1 (euchromatic histone lysine methyltransferase 1; plus strand), LOC651337 (uncharacterized LOC651337; minus strand). Cytogenetic location: 9q34.3.
Variant type: Deletion.
Identifiers: ClinVar variation 1073969 (VCV001073969.1).

ClinVar aggregate classification (germline): Pathogenic (1 of 4 stars; one submission).

Conditions:
Kleefstra syndrome 1 (KLEFS1). Identifiers: Orphanet 261494, MedGen C0795833, MONDO:0027407, OMIM 610253.

Submission:

Labcorp Genetics (formerly Invitae), Labcorp
Classification: Pathogenic for Kleefstra syndrome 1. Last evaluated: 2020-10-08. Review status: criteria provided, single submitter. Criteria: Invitae Variant Classification Sherloc (09022015). Collection method: clinical testing. Allele origin: germline.
Comment: A gross deletion of the genomic region encompassing the full coding sequence of the EHMT1 gene has been identified. The boundaries of this event are unknown as the deletion extends beyond the assayed region for this gene and therefore may encompass additional genes. A similar copy number variant has been observed in an individual affected with Kleefstra syndrome (PMID: 26833960). Loss-of-function variants in EHMT1 are known to be pathogenic (PMID: 16826528, 19264732). For these reasons, this variant has been classified as Pathogenic.

Literature cited by the submitters: PubMed 26833960; PubMed 16826528; PubMed 19264732.